The following is an entry in ClinVar:

NM_001111125.3(IQSEC2):c.2013G>T (p.Gly671=)

Gene: IQSEC2 (IQ motif and Sec7 domain ArfGEF 2; minus strand). Cytogenetic location: Xp11.22.
Variant type: single nucleotide variant.
Coding change: c.2013G>T on transcript NM_001111125.3 (MANE Select); coding-DNA position 2013, G replaced by T.
Protein change: p.Gly671=; no amino-acid change (glycine 671 retained).
Molecular consequence: synonymous variant.
Genome position (GRCh38, 1-based): chrX:53,250,563, C>A on the plus strand (G>T on the coding strand, the complement: IQSEC2 is on the minus strand). VCF-style: chrX-53250563-C-A. GRCh37 (hg19) VCF-style: chrX-53279745-C-A.
Other names: c.1398G>T, p.Gly466= (NM_015075.2).
Identifiers: ClinVar variation 508367 (VCV000508367.1), dbSNP rs1556863095, ClinGen allele CA516673751.

ClinVar aggregate classification (germline): Likely benign (1 of 4 stars; one submission).

Submission:

GeneDx
Classification: Likely benign. Last evaluated: 2017-03-22. Review status: criteria provided, single submitter. Criteria: GeneDx Variant Classification (06012015). Collection method: clinical testing. Allele origin: germline. Affected: yes.
Comment: This variant is considered likely benign or benign based on one or more of the following criteria: it is a conservative change, it occurs at a poorly conserved position in the protein, it is predicted to be benign by multiple in silico algorithms, and/or has population frequency not consistent with disease.